The following is an entry in ClinVar:

ClinVar aggregate classification (germline): Pathogenic (1 of 4 stars; one submission).

Conditions:
Severe combined immunodeficiency due to DCLRE1C deficiency (RS-SCID). Also called: SCID, AUTOSOMAL RECESSIVE, T CELL-NEGATIVE, B CELL-NEGATIVE, NK CELL-POSITIVE, WITH SENSITIVITY TO IONIZING RADIATION. Identifiers: Orphanet 275, MedGen C1865371, MONDO:0011225, OMIM 602450.

Submission:

Labcorp Genetics (formerly Invitae), Labcorp
Classification: Pathogenic for Athabaskan severe combined immunodeficiency. Last evaluated: 2023-02-05. Review status: criteria provided, single submitter. Criteria: Invitae Variant Classification Sherloc (09022015). Collection method: clinical testing. Allele origin: germline.
Comment: For these reasons, this variant has been classified as Pathogenic. This variant disrupts a region of the DCLRE1C protein in which other variant(s) (p.Thr557Asnfs*21) have been determined to be pathogenic (PMID: 26476407). This suggests that this is a clinically significant region of the protein, and that variants that disrupt it are likely to be disease-causing. This variant has not been reported in the literature in individuals affected with DCLRE1C-related conditions. This variant is not present in population databases (gnomAD no frequency). This sequence change creates a premature translational stop signal (p.Phe416Leufs*12) in the DCLRE1C gene. While this is not anticipated to result in nonsense mediated decay, it is expected to disrupt the last 277 amino acid(s) of the DCLRE1C protein.

Literature cited by the submitters: PubMed 26476407.

NM_001033855.3(DCLRE1C):c.1248delinsAATCATATTTACCAAATGCCCCTCATTTACATAAATATTATACTAGCATTTACCATCTCACTTCTAGGAATACTAGTATATCGCTCACACCTCATATCCTCCCTACTATGCCTAGAAGGAATAATACTATCGCTGTTCATTATAGCTACTCTCATAACCCTCAACACCCACTCCCTCTTAGCCAATATGGCTAAGTA (p.Phe416delinsLeuIleIlePheThrLysCysProSerPheThrTer)

Gene: DCLRE1C (DNA cross-link repair 1C; minus strand). Cytogenetic location: 10p13.
Variant type: Indel.
Coding change: c.1248delinsAATCATATTTACCAAATGCCCCTCATTTACATAAATATTATACTAGCATTTACCATCTCACTTCTAGGAATACTAGTATATCGCTCACACCTCATATCCTCCCTACTATGCCTAGAAGGAATAATACTATCGCTGTTCATTATAGCTACTCTCATAACCCTCAACACCCACTCCCTCTTAGCCAATATGGCTAAGTA on transcript NM_001033855.3 (MANE Select); coding-DNA position 1248, the reference bases replaced by an inserted sequence.
Protein change: p.Phe416delinsLeuIleIlePheThrLysCysProSerPheThrTer.
Molecular consequence: nonsense. On other transcripts: non-coding transcript variant (4).
Genome position (GRCh38, 1-based): chr10:14,909,239, one base replaced. GRCh37 (hg19), VCF-style position (the base before the change): chr10:14,951,238.
Other names: c.888delinsAATCATATTTACCAAATGCCCCTCATTTACATAAATATTATACTAGCATTTACCATCTCACTTCTAGGAATACTAGTATATCGCTCACACCTCATATCCTCCCTACTATGCCTAGAAGGAATAATACTATCGCTGTTCATTATAGCTACTCTCATAACCCTCAACACCCACTCCCTCTTAGCCAATATGGCTAAGTA, p.Phe296delinsLeuIleIlePheThrLysCysProSerPheThrTer (NM_001033857.3, NM_001033858.3, NM_001289077.2 and 2 more transcripts); c.903delinsAATCATATTTACCAAATGCCCCTCATTTACATAAATATTATACTAGCATTTACCATCTCACTTCTAGGAATACTAGTATATCGCTCACACCTCATATCCTCCCTACTATGCCTAGAAGGAATAATACTATCGCTGTTCATTATAGCTACTCTCATAACCCTCAACACCCACTCCCTCTTAGCCAATATGGCTAAGTA, p.Phe301delinsLeuIleIlePheThrLysCysProSerPheThrTer (NM_001289076.2, NM_001289078.2, NM_001350966.2 and 1 more transcripts); c.1248delinsAATCATATTTACCAAATGCCCCTCATTTACATAAATATTATACTAGCATTTACCATCTCACTTCTAGGAATACTAGTATATCGCTCACACCTCATATCCTCCCTACTATGCCTAGAAGGAATAATACTATCGCTGTTCATTATAGCTACTCTCATAACCCTCAACACCCACTCCCTCTTAGCCAATATGGCTAAGTA, p.Phe416delinsLeuIleIlePheThrLysCysProSerPheThrTer (NM_001350965.2).
Identifiers: ClinVar variation 2097797 (VCV002097797.4), dbSNP rs2491635842, ClinGen allele CA2580081358.